The following is an entry in ClinVar:

NM_015512.5(DNAH1):c.8626-2A>G

Gene: DNAH1 (dynein axonemal heavy chain 1; plus strand). Cytogenetic location: 3p21.1.
Variant type: single nucleotide variant.
Coding change: c.8626-2A>G on transcript NM_015512.5 (MANE Select); the canonical splice acceptor site of the intron before coding-DNA position 8626, A replaced by G.
Molecular consequence: splice acceptor variant.
Genome position (GRCh38, 1-based): chr3:52,386,158, A>G. VCF-style: chr3-52386158-A-G. GRCh37 (hg19) VCF-style: chr3-52420174-A-G.
Other names: c.8626-2A>G (NM_015512.4).
Identifiers: ClinVar variation 4783500 (VCV004783500.2).
Genomic context (GRCh38, chr3:52,386,158, plus strand): 5'-GGGAGACTAAGATGCAGAGAAGAGAAAAGGGGGGAGGACATCCCTATGTCTCCCATCCCC[A>G]GGTGGATACGGCCATCGCCGAGGAGACCCGGAATTCAGTGCAGACAGAGGAGATCAAAGC-3'

ClinVar aggregate classification (germline): Pathogenic/Likely pathogenic. Review status: criteria provided, multiple submitters, no conflicts (2 of 4 stars). 2 submissions from 2 submitters: Pathogenic (1); Likely pathogenic (1). Last evaluated 2025-06-11.

Conditions:
DNAH1-related disorder. Also called: DNAH1-related condition.
Spermatogenic failure 18. Identifiers: MedGen C4539783, MONDO:0054615, OMIM 617576.
Ciliary dyskinesia, primary, 37 (CILD37). Also called: CILIARY DYSKINESIA, PRIMARY, 37, WITH OR WITHOUT SITUS INVERSUS. Identifiers: MedGen C4539798, MONDO:0033204, OMIM 617577.

gnomAD v4.1: 9 of 1,611,410 alleles (0.00056%); highest among the groups gnomAD compares: African/African-American, 0.0013%; no homozygotes.

Submissions (2):

Labcorp Genetics (formerly Invitae), Labcorp
Classification: Pathogenic for Ciliary dyskinesia, primary, 37; Spermatogenic failure 18. Last evaluated: 2025-06-11. Review status: criteria provided, single submitter. Criteria: Invitae Variant Classification Sherloc (09022015). Collection method: clinical testing. Allele origin: germline.
Comment: This sequence change affects an acceptor splice site in intron 54 of the DNAH1 gene. It is expected to disrupt RNA splicing. Variants that disrupt the donor or acceptor splice site typically lead to a loss of protein function (PMID: 16199547), and loss-of-function variants in DNAH1 are known to be pathogenic (PMID: 27573432, 27798045). This variant is present in population databases (rs776837416, gnomAD 0.0009%). Disruption of this splice site has been observed in individual(s) with multiple morphological abnormalities of sperm flagella (PMID: 27798045). It has also been observed to segregate with disease in related individuals. Algorithms developed to predict the effect of sequence changes on RNA splicing suggest that this variant may disrupt the consensus splice site. For these reasons, this variant has been classified as Pathogenic.

PreventionGenetics, part of Exact Sciences
Classification: Likely pathogenic for DNAH1-related condition. Last evaluated: 2025-02-10. Review status: criteria provided, single submitter. Criteria: ACMG Guidelines, 2015. Collection method: clinical testing. Allele origin: germline.
Comment: The DNAH1 c.8626-2A>G variant is predicted to disrupt the AG splice acceptor site and interfere with normal splicing. To our knowledge, this variant has not been reported in the literature. This variant is reported in 0.0018% of alleles in individuals of European (Non-Finnish) descent in gnomAD. Variants that disrupt the consensus splice acceptor site in DNAH1 are expected to be pathogenic. This variant is interpreted as likely pathogenic.

Literature cited by the submitters: PubMed 16199547 (cited by Labcorp Genetics (formerly Invitae), Labcorp); PubMed 27573432 (cited by Labcorp Genetics (formerly Invitae), Labcorp); PubMed 27798045 (cited by Labcorp Genetics (formerly Invitae), Labcorp).